The following is an entry in ClinVar:

NM_001297.5(CNGB1):c.3729G>A (p.Pro1243=)

Gene: CNGB1 (cyclic nucleotide gated channel subunit beta 1; minus strand). Cytogenetic location: 16q21.
Variant type: single nucleotide variant.
Coding change: c.3729G>A on transcript NM_001297.5 (MANE Select); coding-DNA position 3729, G replaced by A.
Protein change: p.Pro1243=; no amino-acid change (proline 1243 retained).
Molecular consequence: synonymous variant.
Genome position (GRCh38, 1-based): chr16:57,884,191, C>T on the plus strand (G>A on the coding strand, the complement: CNGB1 is on the minus strand). VCF-style: chr16-57884191-C-T. GRCh37 (hg19) VCF-style: chr16-57918095-C-T.
Other names: c.3729G>A (NM_001297.4); c.3711G>A, p.Pro1237= (NM_001286130.2).
Identifiers: ClinVar variation 1136915 (VCV001136915.10), dbSNP rs534779665, ClinGen allele CA8082464.

ClinVar aggregate classification (germline): Likely benign. Review status: criteria provided, multiple submitters, no conflicts (2 of 4 stars). 2 submissions from 2 submitters: Likely benign (2). Last evaluated 2025-06-04.

Conditions:
CNGB1-related disorder. Also called: CNGB1-related condition.

Allele frequency attached by ClinVar (database versions not stated): ExAC 0.00003; gnomAD 0.00005 and 0.00006; TOPMed 0.00006.
gnomAD v4.1: 73 of 1,614,048 alleles (0.0045%); highest among the groups gnomAD compares: African/African-American, 0.032%; no homozygotes.

Submissions (2):

PreventionGenetics, part of Exact Sciences
Classification: Likely benign for CNGB1-related condition. Last evaluated: 2025-06-04. Review status: criteria provided, single submitter. Criteria: ACMG Guidelines, 2015. Collection method: clinical testing. Allele origin: germline.
Comment: This variant is classified as likely benign based on ACMG/AMP sequence variant interpretation guidelines (Richards et al. 2015 PMID: 25741868, with internal and published modifications).

Labcorp Genetics (formerly Invitae), Labcorp
Classification: Likely benign. Last evaluated: 2024-10-25. Review status: criteria provided, single submitter. Criteria: Invitae Variant Classification Sherloc (09022015). Collection method: clinical testing. Allele origin: germline.